The following is an entry in ClinVar:

ClinVar aggregate classification (germline): Likely pathogenic (1 of 4 stars; one submission).

Conditions:
Tay-Sachs disease (TSD). Also called: HEXA DEFICIENCY; GM2 gangliosidosis, type 1; Hexosaminidase alpha-subunit deficiency (variant B); Sphingolipidosis, Tay-Sachs; Hexosaminidase A Deficiency; HEXA Disorders. Identifiers: Orphanet 845, MedGen C0039373, MONDO:0010100, OMIM 272800.

Allele frequency attached by ClinVar (database versions not stated): gnomAD exomes below 0.00001.
gnomAD v4.1: 2 of 1,612,164 alleles (0.00012%); highest among the groups gnomAD compares: South Asian, 0.0022%; no homozygotes.

Submission:

Labcorp Genetics (formerly Invitae), Labcorp
Classification: Likely pathogenic for Tay-Sachs disease. Last evaluated: 2023-04-15. Review status: criteria provided, single submitter. Criteria: Invitae Variant Classification Sherloc (09022015). Collection method: clinical testing. Allele origin: germline.
Comment: In summary, the currently available evidence indicates that the variant is pathogenic, but additional data are needed to prove that conclusively. Therefore, this variant has been classified as Likely Pathogenic. This variant disrupts the p.Tyr213 amino acid residue in HEXA. Other variant(s) that disrupt this residue have been determined to be pathogenic (PMID: 31388111). This suggests that this residue is clinically significant, and that variants that disrupt this residue are likely to be disease-causing. Advanced modeling of protein sequence and biophysical properties (such as structural, functional, and spatial information, amino acid conservation, physicochemical variation, residue mobility, and thermodynamic stability) performed at Invitae indicates that this missense variant is expected to disrupt HEXA protein function. This variant has not been reported in the literature in individuals affected with HEXA-related conditions. This variant is present in population databases (no rsID available, gnomAD 0.003%). This sequence change replaces tyrosine, which is neutral and polar, with cysteine, which is neutral and slightly polar, at codon 213 of the HEXA protein (p.Tyr213Cys).

Literature cited by the submitters: PubMed 31388111.

NM_000520.6(HEXA):c.638A>G (p.Tyr213Cys)

Gene: HEXA (hexosaminidase subunit alpha; minus strand). Cytogenetic location: 15q23.
Variant type: single nucleotide variant.
Coding change: c.638A>G on transcript NM_000520.6 (MANE Select); coding-DNA position 638, A replaced by G.
Protein change: p.Tyr213Cys; replaces tyrosine 213 with cysteine.
Molecular consequence: missense variant. On other transcripts: non-coding transcript variant (1).
Genome position (GRCh38, 1-based): chr15:72,351,167, T>C on the plus strand (A>G on the coding strand, the complement: HEXA is on the minus strand). VCF-style: chr15-72351167-T-C. GRCh37 (hg19) VCF-style: chr15-72643508-T-C.
Other names: c.671A>G, p.Tyr224Cys (NM_001318825.2); short protein forms Y224C, Y213C.
Identifiers: ClinVar variation 2788439 (VCV002788439.3), dbSNP rs1403162016, ClinGen allele CA393063542.
Genomic context (GRCh38, chr15:72,351,167, plus strand): 5'-TTGGTCTGAGTGAAACGGGAACATACCTTTCTCATGAGCTCTGGAAAAGTGAAGCTCTCA[T>C]ATGGGAAGGAAGGATCATCTACCAGATGCCAGTGGAACACGTTCAATTTATTGTACGCCA-3'
Protein context (NP_000511.2, residues 203-223): WHLVDDPSFP[Tyr213Cys]ESFTFPELMR